The following is an entry in ClinVar:

NM_000384.3(APOB):c.6941T>C (p.Leu2314Pro)

Gene: APOB (apolipoprotein B; minus strand). Cytogenetic location: 2p24.1.
Variant type: single nucleotide variant.
Coding change: c.6941T>C on transcript NM_000384.3 (MANE Select); coding-DNA position 6941, T replaced by C.
Protein change: p.Leu2314Pro; replaces leucine 2314 with proline.
Molecular consequence: missense variant.
Genome position (GRCh38, 1-based): chr2:21,009,927, A>G on the plus strand (T>C on the coding strand, the complement: APOB is on the minus strand). VCF-style: chr2-21009927-A-G. GRCh37 (hg19) VCF-style: chr2-21232799-A-G.
Other names: short protein forms L2314P.
Identifiers: ClinVar variation 918974 (VCV000918974.14), dbSNP rs372035579, ClinGen allele CA063847.

ClinVar aggregate classification (germline): Conflicting classifications of pathogenicity. Review status: criteria provided, conflicting classifications (1 of 4 stars). 5 submissions from 5 submitters: Uncertain significance (3); Benign (2). Last evaluated 2025-08-18.

Conditions:
Cardiovascular phenotype. Identifiers: MedGen CN230736.
Hypercholesterolemia, autosomal dominant, type B (FHCL2). Also called: Hyperlipoproteinemia Type IIb; Familial Hypercholesterolemia Type B; HYPERCHOLESTEROLEMIA, FAMILIAL, DUE TO LIGAND-DEFECTIVE APOLIPOPROTEIN B; Familial hypercholesterolemia 2; APOLIPOPROTEIN B-100, FAMILIAL DEFECTIVE; APOLIPOPROTEIN B-100, FAMILIAL LIGAND-DEFECTIVE. Identifiers: MedGen C1704417, MONDO:0007751, OMIM 144010.
Familial hypobetalipoproteinemia 1. Also called: Hypobetalipoproteinemia, normotriglyceridemic; Acanthocytosis with hypobetalipoproteinemia; APOB-Related Familial Hypobetalipoproteinemia. Identifiers: MedGen C4551990, MONDO:0014252, OMIM 615558.

Allele frequency attached by ClinVar (database versions not stated): gnomAD exomes 0.00004 and 0.00001; ESP Exome Variant Server 0.00008; gnomAD 0.00015 and 0.00014; 1000 Genomes Project 0.00060; 1000 Genomes Project 30x 0.00062; ExAC 0.00003; TOPMed 0.00020.
gnomAD v4.1: 45 of 1,613,960 alleles (0.0028%); highest among the groups gnomAD compares: African/African-American, 0.052%; no homozygotes.

Submissions (5):

Labcorp Genetics (formerly Invitae), Labcorp
Classification: Benign for Familial hypobetalipoproteinemia 1; Hypercholesterolemia, autosomal dominant, type B. Last evaluated: 2025-08-18. Review status: criteria provided, single submitter. Criteria: Invitae Variant Classification Sherloc (09022015). Collection method: clinical testing. Allele origin: germline.

GeneDx
Classification: Uncertain significance. Last evaluated: 2025-04-27. Review status: criteria provided, single submitter. Criteria: GeneDx Variant Classification Process June 2021. Collection method: clinical testing. Allele origin: germline.
Comment: In silico analysis supports that this missense variant has a deleterious effect on protein structure/function; Has not been previously published as pathogenic or benign to our knowledge; Also known as p.(L2287P)

Ambry Genetics
Classification: Benign for Cardiovascular phenotype. Last evaluated: 2025-02-14. Review status: criteria provided, single submitter. Criteria: Ambry Variant Classification Scheme 2023. Collection method: clinical testing. Allele origin: germline.

Quest Diagnostics Nichols Institute San Juan Capistrano
Classification: Uncertain significance. Last evaluated: 2024-06-28. Review status: criteria provided, single submitter. Criteria: Quest Diagnostics criteria. Collection method: clinical testing. Allele origin: unknown.
Comment: The APOB c.6941T>C (p.Leu2314Pro) variant has not been reported in individuals with APOB-related conditions in the published literature. The frequency of this variant in the general population, 0.00052 (13/24954 chromosomes (Genome Aggregation Database)), is uninformative in the assessment of its pathogenicity. Analysis of this variant using bioinformatics tools for the prediction of the effect of amino acid changes on protein structure and function yielded conflicting predictions that this variant is benign or damaging. Based on the available information, we are unable to determine the clinical significance of this variant.

Fulgent Genetics
Classification: Uncertain significance for Hypercholesterolemia, autosomal dominant, type B; Familial hypobetalipoproteinemia 1. Last evaluated: 2021-08-10. Review status: criteria provided, single submitter. Criteria: ACMG Guidelines, 2015. Collection method: clinical testing. Allele origin: unknown.